The following is an entry in ClinVar:

ClinVar aggregate classification (germline): Pathogenic (1 of 4 stars; one submission).

Conditions:
Recessive dystrophic epidermolysis bullosa (RDEB). Also called: DYSTROPHIC EPIDERMOLYSIS BULLOSA, AUTOSOMAL RECESSIVE; EPIDERMOLYSIS BULLOSA DYSTROPHICA, HALLOPEAU-SIEMENS TYPE; Hallopeau-Siemens Disease; severe generalized recessive dystrophic epidermolysis bullosa; EPIDERMOLYSIS BULLOSA DYSTROPHICA, GENERALIZED SEVERE, AUTOSOMAL RECESSIVE; Epidermolysis Bullosa Distrophica Autosomal Recessive (RDEB). Identifiers: Orphanet 79408, Orphanet 79409, MedGen C0079474, MONDO:0009179, OMIM 226600.

Submission:

Myriad Genetics, Inc.
Classification: Pathogenic for Recessive dystrophic epidermolysis bullosa. Last evaluated: 2024-10-04. Review status: criteria provided, single submitter. Criteria: Myriad Autosomal Dominant, Autosomal Recessive and X-Linked Classification Criteria (2023). Collection method: clinical testing. Allele origin: unknown.
Comment: NM_000094.3(COL7A1):c.3082_3083delCT(L1028Dfs*11) is expected to be pathogenic in the context of dystrophic epidermolysis bullosa. This variant is predicted to lead to an abnormal or absent protein product due to the creation of a premature termination codon in COL7A1, a gene where loss-of-function variants are known to be pathogenic. Please note: this variant was assessed in the context of healthy population screening.

NM_000094.4(COL7A1):c.3082_3083del (p.Leu1028fs)

Gene: COL7A1 (collagen type VII alpha 1 chain; minus strand). Cytogenetic location: 3p21.31.
Variant type: Deletion.
Coding change: c.3082_3083del on transcript NM_000094.4 (MANE Select); coding-DNA positions 3082 to 3083, 2 bases deleted (CT; older notation c.3082_3083delCT).
Protein change: p.Leu1028fs; shifts the reading frame from leucine 1028.
Molecular consequence: frameshift variant.
Genome position (GRCh38, 1-based): chr3:48,587,246-48,587,247, AG deleted on the plus strand (CT on the coding strand, the reverse complement: COL7A1 is on the minus strand). VCF-style (leftmost placement, unchanged base first): chr3-48587245-CAG-C. GRCh37 (hg19) VCF-style: chr3-48624678-CAG-C.
Other names: short protein forms L1028fs.
Identifiers: ClinVar variation 5013607 (VCV005013607.1).